The following is an entry in ClinVar:

NM_001458.5(FLNC):c.594C>T (p.Cys198=)

Gene: FLNC (filamin C; plus strand). Cytogenetic location: 7q32.1.
Variant type: single nucleotide variant.
Coding change: c.594C>T on transcript NM_001458.5 (MANE Select); coding-DNA position 594, C replaced by T.
Protein change: p.Cys198=; no amino-acid change (cysteine 198 retained).
Molecular consequence: synonymous variant.
Genome position (GRCh38, 1-based): chr7:128,835,567, C>T. VCF-style: chr7-128835567-C-T. GRCh37 (hg19) VCF-style: chr7-128475621-C-T.
Other names: c.594C>T, p.Cys198= (NM_001127487.2).
Identifiers: ClinVar variation 810182 (VCV000810182.53), dbSNP rs375617228, ClinGen allele CA4474056.
Genomic context (GRCh38, chr7:128,835,567, plus strand): 5'-CACCAACTTCAACCGTGACTGGCAGGACGGCAAAGCTCTGGGCGCCCTGGTGGACAACTG[C>T]GCCCCCGGTGAGTGGGCCAGTGAGCACAGCATGGAGCCCTTAGCTCCCAAAGACAGAGGG-3'
Protein context (NP_001449.3, residues 188-208): GKALGALVDN[Cys198=]APGLCPDWEA

ClinVar aggregate classification (germline): Likely benign. Review status: criteria provided, multiple submitters, no conflicts (2 of 4 stars). 5 submissions from 5 submitters: Likely benign (5). Last evaluated 2026-07-10.

Conditions:
Hypertrophic cardiomyopathy 26. Also called: Cardiomyopathy, familial hypertrophic, 26. Identifiers: Orphanet 75249, MedGen C4310749, MONDO:0014883, OMIM 617047.
Distal myopathy with posterior leg and anterior hand involvement. Also called: WILLIAMS DISTAL MYOPATHY. Identifiers: Orphanet 63273, MedGen C3279722, MONDO:0013550, OMIM 614065.
Myofibrillar myopathy 5. Also called: Filaminopathy (type); FILAMINOPATHY, AUTOSOMAL DOMINANT. Identifiers: Orphanet 171445, MedGen C1836050, MONDO:0012289, OMIM 609524.
FLNC-related disorder. Also called: FLNC-related condition; FLNC-related disorders.
Cardiovascular phenotype. Identifiers: MedGen CN230736.

Allele frequency attached by ClinVar (database versions not stated): gnomAD 0.00002 and 0.00004; ExAC 0.00003; TOPMed 0.00003; gnomAD exomes 0.00004; ESP Exome Variant Server 0.00008.

Submissions (5):

PreventionGenetics, part of Exact Sciences
Classification: Likely benign for FLNC-related condition. Last evaluated: 2026-07-10. Review status: criteria provided, single submitter. Criteria: ACMG Guidelines, 2015. Collection method: clinical testing. Allele origin: germline.
Comment: This variant is classified as likely benign based on ACMG/AMP sequence variant interpretation guidelines (Richards et al. 2015 PMID: 25741868, with internal and published modifications).

Labcorp Genetics (formerly Invitae), Labcorp
Classification: Likely benign for Distal myopathy with posterior leg and anterior hand involvement; Myofibrillar myopathy 5; Hypertrophic cardiomyopathy 26. Last evaluated: 2026-01-27. Review status: criteria provided, single submitter. Criteria: Invitae Variant Classification Sherloc (09022015). Collection method: clinical testing. Allele origin: germline.

Blueprint Genetics
Classification: Likely benign. Last evaluated: 2024-01-15. Review status: criteria provided, single submitter. Criteria: ACMG Guidelines, 2015. Collection method: clinical testing. Allele origin: germline.

Ambry Genetics
Classification: Likely benign for Cardiovascular phenotype. Last evaluated: 2021-10-28. Review status: criteria provided, single submitter. Criteria: Ambry Variant Classification Scheme 2023. Collection method: clinical testing. Allele origin: germline.

CeGaT Center for Human Genetics Tuebingen
Classification: Likely benign. Last evaluated: 2019-04-01. Review status: criteria provided, single submitter. Criteria: CeGaT Center For Human Genetics Tuebingen Variant Classification Criteria Version 2. Collection method: clinical testing. Allele origin: germline. Affected: yes. Observed: 1 variant allele.